The following is an entry in ClinVar:

NM_006208.3(ENPP1):c.*477A>T

Gene: ENPP1 (ectonucleotide pyrophosphatase/phosphodiesterase 1; plus strand). Cytogenetic location: 6q23.2.
Variant type: single nucleotide variant.
Coding change: c.*477A>T on transcript NM_006208.3 (MANE Select); 477 bases downstream of the stop codon, A replaced by T.
Molecular consequence: 3 prime UTR variant.
Genome position (GRCh38, 1-based): chr6:131,890,988, A>T. VCF-style: chr6-131890988-A-T. GRCh37 (hg19) VCF-style: chr6-132212128-A-T.
Identifiers: ClinVar variation 906513 (VCV000906513.4), dbSNP rs113086095, ClinGen allele CA147909105.

ClinVar aggregate classification (germline): Benign. Review status: criteria provided, single submitter (1 of 4 stars). 2 submissions from 1 submitter: Benign (2). Last evaluated 2018-01-13.

Conditions:
Hypophosphatemic rickets, autosomal recessive, 2 (ARHR2). Identifiers: Orphanet 289176, MedGen C2750078, MONDO:0013219, OMIM 613312.
Arterial calcification, generalized, of infancy, 1 (GACI1). Also called: Idiopathic Infantile Arterial Calcification. Identifiers: Orphanet 51608, MedGen C4551985, MONDO:0008817, OMIM 208000.

Allele frequency attached by ClinVar (database versions not stated): gnomAD exomes 0.00108; gnomAD 0.01661 and 0.01777; TOPMed 0.01789; 1000 Genomes Project 0.01897; 1000 Genomes Project 30x 0.02171.
gnomAD v4.1: 2,449 of 150,780 alleles (1.6%); highest among the groups gnomAD compares: African/African-American, 5.9%; 62 homozygotes.

Submissions (2):

Illumina Laboratory Services, Illumina
Classification: Benign for Hypophosphatemic rickets, autosomal recessive, 2. Last evaluated: 2018-01-13. Review status: criteria provided, single submitter. Criteria: ICSL Variant Classification Criteria 13 December 2019. Collection method: clinical testing. Allele origin: germline.
Comment: This variant was observed in the ICSL laboratory as part of a predisposition screen in an ostensibly healthy population. It had not been previously curated by ICSL or reported in the Human Gene Mutation Database (HGMD: prior to June 1st, 2018), and was therefore a candidate for classification through an automated scoring system. Utilizing variant allele frequency, disease prevalence and penetrance estimates, and inheritance mode, an automated score was calculated to assess if this variant is too frequent to cause the disease. Based on the score and internal cut-off values, a variant classified as benign is not then subjected to further curation. The score for this variant resulted in a classification of benign for this disease.

Illumina Laboratory Services, Illumina
Classification: Benign for Arterial calcification, generalized, of infancy, 1. Last evaluated: 2018-01-13. Review status: criteria provided, single submitter. Criteria: ICSL Variant Classification Criteria 13 December 2019. Collection method: clinical testing. Allele origin: germline.
Comment: the same text as in the submission from Illumina Laboratory Services, Illumina above.